The following is an entry in ClinVar:

ClinVar aggregate classification (germline): Likely benign (1 of 4 stars; one submission).

Allele frequency attached by ClinVar (database versions not stated): ESP Exome Variant Server 0.00015.
gnomAD v4.1: 39 of 1,612,394 alleles (0.0024%); highest among the groups gnomAD compares: African/African-American, 0.027%; no homozygotes.

Submission:

CeGaT Center for Human Genetics Tuebingen
Classification: Likely benign. Last evaluated: 2025-11-01. Review status: criteria provided, single submitter. Criteria: CeGaT Center For Human Genetics Tuebingen Variant Classification Criteria Version 2. Collection method: clinical testing. Allele origin: germline. Affected: yes. Observed: 2 variant alleles.
Comment: COX10: BP4, BP7

NM_001303.4(COX10):c.675G>A (p.Pro225=)

Gene: COX10 (cytochrome c oxidase assembly factor heme A:farnesyltransferase COX10; plus strand). Cytogenetic location: 17p12.
Variant type: single nucleotide variant.
Coding change: c.675G>A on transcript NM_001303.4 (MANE Select); coding-DNA position 675, G replaced by A.
Protein change: p.Pro225=; no amino-acid change (proline 225 retained).
Molecular consequence: synonymous variant.
Genome position (GRCh38, 1-based): chr17:14,159,927, G>A. VCF-style: chr17-14159927-G-A. GRCh37 (hg19) VCF-style: chr17-14063244-G-A.
Identifiers: ClinVar variation 3026902 (VCV003026902.22), dbSNP rs199609301, ClinGen allele CA8402390.